The following is an entry in ClinVar:

ClinVar aggregate classification (germline): Uncertain significance (1 of 4 stars; one submission).

Conditions:
Hereditary cancer-predisposing syndrome. Also called: Tumor predisposition; Neoplastic Syndromes, Hereditary; Hereditary neoplastic syndrome; Hereditary Cancer Syndrome. Identifiers: Orphanet 140162, MedGen C0027672, MeSH D009386, MONDO:0015356.

gnomAD v4.1: 1 of 1,609,764 alleles (0.000062%); highest among the groups gnomAD compares: Non-Finnish European, 0.000085%; no homozygotes.

Submission:

Ambry Genetics
Classification: Uncertain significance for Hereditary cancer-predisposing syndrome. Last evaluated: 2025-08-27. Review status: criteria provided, single submitter. Criteria: Ambry Variant Classification Scheme 2023. Collection method: clinical testing. Allele origin: germline.
Comment: The p.Q501H variant (also known as c.1503G>T), located in coding exon 15 of the MUTYH gene, results from a G to T substitution at nucleotide position 1503. The glutamine at codon 501 is replaced by histidine, an amino acid with highly similar properties. This amino acid position is conserved. In addition, this alteration is predicted to be tolerated by in silico analysis. Based on the available evidence, the clinical significance of this variant remains unclear.

NM_001048174.2(MUTYH):c.1419G>T (p.Gln473His)

Gene: MUTYH (mutY DNA glycosylase; minus strand). Cytogenetic location: 1p34.1.
Variant type: single nucleotide variant.
Coding change: c.1419G>T on transcript NM_001048174.2 (MANE Select); coding-DNA position 1419, G replaced by T.
Protein change: p.Gln473His; replaces glutamine 473 with histidine.
Molecular consequence: missense variant. On other transcripts: non-coding transcript variant (7).
Genome position (GRCh38, 1-based): chr1:45,330,531, C>A on the plus strand (G>T on the coding strand, the complement: MUTYH is on the minus strand). VCF-style: chr1-45330531-C-A. GRCh37 (hg19) VCF-style: chr1-45796203-C-A.
Other names: c.1419G>T, p.Gln473His (NM_001048171.2, NM_001048173.2, NM_001293195.2 and 6 more transcripts); c.1422G>T, p.Gln474His (NM_001048172.2, NM_001407086.1, NM_001407071.1 and 1 more transcripts); c.1503G>T, p.Gln501His (NM_001128425.2); c.1464G>T, p.Gln488His (NM_001293190.2); c.1452G>T, p.Gln484His (NM_001293191.2, NM_001407069.1, NM_001407077.1); c.1143G>T, p.Gln381His (NM_001293192.2, NM_001293196.2, NM_001407091.1); c.1074G>T, p.Gln358His (NM_001350650.2, NM_001350651.2, NM_001407082.1); c.1461G>T, p.Gln487His (NM_001407083.1, NM_001407085.1); and 5 more; short protein forms Q480H, Q498H, Q501H, Q358H, Q473H, Q445H, Q459H, Q474H.
Identifiers: ClinVar variation 4113298 (VCV004113298.1).
Genomic context (GRCh38, chr1:45,330,531, plus strand): 5'-CTCAGGCCTGGGGAGACACGGTTGGGAGAGGCCTAGGAGACTTACCATACAGGTCCCTGG[C>A]TGTTGGCCCTGATACACACGGAAAACCTAGACAAGAAGACAGGGAGGTGAGGGCTGGCAC-3'
Protein context (NP_001041639.1, residues 463-483): KKVFRVYQGQ[Gln473His]PGTCMGSKRS